The following is an entry in ClinVar:

NM_000135.4(FANCA):c.260C>G (p.Ala87Gly)

Gene: FANCA (FA complementation group A; minus strand). Cytogenetic location: 16q24.3.
Variant type: single nucleotide variant.
Coding change: c.260C>G on transcript NM_000135.4 (MANE Select); coding-DNA position 260, C replaced by G.
Protein change: p.Ala87Gly; replaces alanine 87 with glycine.
Molecular consequence: missense variant.
Genome position (GRCh38, 1-based): chr16:89,814,543, G>C on the plus strand (C>G on the coding strand, the complement: FANCA is on the minus strand). VCF-style: chr16-89814543-G-C. GRCh37 (hg19) VCF-style: chr16-89880951-G-C.
Other names: c.260C>G (NM_000135.3); c.260C>G, p.Ala87Gly (NM_001018112.3, NM_001286167.3, NM_001351830.2); short protein forms A87G.
Identifiers: ClinVar variation 945755 (VCV000945755.14), dbSNP rs758619078, ClinGen allele CA286611024.

ClinVar aggregate classification (germline): Uncertain significance. Review status: criteria provided, multiple submitters, no conflicts (2 of 4 stars). 5 submissions from 5 submitters: Uncertain significance (4). 1 of the submissions does not count toward it. Last evaluated 2026-01-05.

Conditions:
Inborn genetic diseases. Identifiers: MedGen C0950123, MeSH D030342.
Fanconi anemia (FA). Also called: Fanconi's anemia. Identifiers: Orphanet 84, MedGen C0015625, MeSH D005199, MONDO:0019391.
Fanconi anemia complementation group A (FANCA). Also called: Fanconi anemia, group A; FANCA-Related Fanconi Anemia. Identifiers: Orphanet 84, MedGen C3469521, MONDO:0009215, OMIM 227650.

Allele frequency attached by ClinVar (database versions not stated): TOPMed below 0.00001; gnomAD 0.00001.
gnomAD v4.1: 4 of 1,612,880 alleles (0.00025%); highest among the groups gnomAD compares: Admixed American, 0.0017%; no homozygotes.

Submissions (5):

Labcorp Genetics (formerly Invitae), Labcorp
Classification: Uncertain significance for Fanconi anemia. Last evaluated: 2026-01-05. Review status: criteria provided, single submitter. Criteria: Invitae Variant Classification Sherloc (09022015). Collection method: clinical testing. Allele origin: germline.
Comment: This sequence change replaces alanine, which is neutral and non-polar, with glycine, which is neutral and non-polar, at codon 87 of the FANCA protein (p.Ala87Gly). This variant is not present in population databases (gnomAD no frequency). This variant has not been reported in the literature in individuals affected with FANCA-related conditions. ClinVar contains an entry for this variant (Variation ID: 945755). Invitae Evidence Modeling of protein sequence and biophysical properties (such as structural, functional, and spatial information, amino acid conservation, physicochemical variation, residue mobility, and thermodynamic stability) indicates that this missense variant is not expected to disrupt FANCA protein function with a negative predictive value of 95%. In summary, the available evidence is currently insufficient to determine the role of this variant in disease. Therefore, it has been classified as a Variant of Uncertain Significance.

Ambry Genetics
Classification: Uncertain significance for Inborn genetic diseases. Last evaluated: 2025-09-26. Review status: criteria provided, single submitter. Criteria: Ambry Variant Classification Scheme 2023. Collection method: clinical testing. Allele origin: germline.

Fulgent Genetics
Classification: Uncertain significance for Fanconi anemia complementation group A. Last evaluated: 2021-10-26. Review status: criteria provided, single submitter. Criteria: ACMG Guidelines, 2015. Collection method: clinical testing. Allele origin: unknown.

Quest Diagnostics Nichols Institute San Juan Capistrano
Classification: Uncertain significance. Last evaluated: 2021-07-21. Review status: criteria provided, single submitter. Criteria: Quest Diagnostics criteria. Collection method: clinical testing. Allele origin: unknown.

Natera, Inc.
Classification: Uncertain significance for Fanconi anemia. Last evaluated: 2020-02-26. Review status: no assertion criteria provided. Collection method: clinical testing. Allele origin: germline. Not counted in ClinVar's aggregate classification.